The following is an entry in ClinVar:

NM_000179.3(MSH6):c.754T>C (p.Ser252Pro)

Gene: MSH6 (mutS homolog 6; plus strand). Cytogenetic location: 2p16.3.
Variant type: single nucleotide variant.
Coding change: c.754T>C on transcript NM_000179.3 (MANE Select); coding-DNA position 754, T replaced by C.
Protein change: p.Ser252Pro; replaces serine 252 with proline.
Molecular consequence: missense variant. On other transcripts: 5 prime UTR variant (2).
Genome position (GRCh38, 1-based): chr2:47,798,737, T>C. VCF-style: chr2-47798737-T-C. GRCh37 (hg19) VCF-style: chr2-48025876-T-C.
Other names: c.364T>C, p.Ser122Pro (NM_001281492.2); c.-153T>C (NM_001281493.2, NM_001281494.2); c.754T>C (NM_000179.2); short protein forms S252P, S122P.
Identifiers: ClinVar variation 1390226 (VCV001390226.7), dbSNP rs746623981, ClinGen allele CA346740136.
Genomic context (GRCh38, chr2:47,798,737, plus strand): 5'-CAGCCTAAGACACAAGGATCTAGGCGAAGTAGCCGCCAAATAAAAAAACGAAGGGTCATA[T>C]CAGATTCTGAGAGTGACATTGGTGGCTCTGATGTGGAATTTAAGCCAGACACTAAGGAGG-3'
Protein context (NP_000170.1, residues 242-262): SRQIKKRRVI[Ser252Pro]DSESDIGGSD

ClinVar aggregate classification (germline): Uncertain significance. Review status: criteria provided, multiple submitters, no conflicts (2 of 4 stars). 2 submissions from 2 submitters: Uncertain significance (2). Last evaluated 2024-11-14.

Conditions:
Hereditary nonpolyposis colorectal neoplasms. Identifiers: MedGen C0009405, MeSH D003123.
Hereditary cancer-predisposing syndrome. Also called: Neoplastic Syndromes, Hereditary; Tumor predisposition; Hereditary neoplastic syndrome; Hereditary Cancer Syndrome. Identifiers: Orphanet 140162, MedGen C0027672, MeSH D009386, MONDO:0015356.

gnomAD v4.1: 1 of 1,614,088 alleles (0.000062%); highest among the groups gnomAD compares: Non-Finnish European, 0.000085%; no homozygotes.

Submissions (2):

Ambry Genetics
Classification: Uncertain significance for Hereditary cancer-predisposing syndrome. Last evaluated: 2024-11-14. Review status: criteria provided, single submitter. Criteria: Ambry Variant Classification Scheme 2023. Collection method: clinical testing. Allele origin: germline.
Comment: The p.S252P variant (also known as c.754T>C), located in coding exon 4 of the MSH6 gene, results from a T to C substitution at nucleotide position 754. The serine at codon 252 is replaced by proline, an amino acid with similar properties. This amino acid position is not well conserved in available vertebrate species. In addition, the in silico prediction for this alteration is inconclusive. Based on the available evidence, the clinical significance of this variant remains unclear.

Labcorp Genetics (formerly Invitae), Labcorp
Classification: Uncertain significance for Hereditary nonpolyposis colorectal neoplasms. Last evaluated: 2024-06-26. Review status: criteria provided, single submitter. Criteria: Invitae Variant Classification Sherloc (09022015). Collection method: clinical testing. Allele origin: germline.
Comment: This sequence change replaces serine, which is neutral and polar, with proline, which is neutral and non-polar, at codon 252 of the MSH6 protein (p.Ser252Pro). This variant is not present in population databases (gnomAD no frequency). This variant has not been reported in the literature in individuals affected with MSH6-related conditions. ClinVar contains an entry for this variant (Variation ID: 1390226). Advanced modeling of protein sequence and biophysical properties (such as structural, functional, and spatial information, amino acid conservation, physicochemical variation, residue mobility, and thermodynamic stability) performed at Invitae indicates that this missense variant is not expected to disrupt MSH6 protein function with a negative predictive value of 95%. In summary, the available evidence is currently insufficient to determine the role of this variant in disease. Therefore, it has been classified as a Variant of Uncertain Significance.